The following is an entry in ClinVar:

NM_001190274.2(FBXO11):c.925A>G (p.Ile309Val)

Gene: FBXO11 (F-box protein 11; minus strand). Cytogenetic location: 2p16.3.
Variant type: single nucleotide variant.
Coding change: c.925A>G on transcript NM_001190274.2 (MANE Select); coding-DNA position 925, A replaced by G.
Protein change: p.Ile309Val; replaces isoleucine 309 with valine.
Molecular consequence: missense variant.
Genome position (GRCh38, 1-based): chr2:47,834,588, T>C on the plus strand (A>G on the coding strand, the complement: FBXO11 is on the minus strand). VCF-style: chr2-47834588-T-C. GRCh37 (hg19) VCF-style: chr2-48061727-T-C.
Other names: c.673A>G, p.Ile225Val (NM_001374325.1, NM_025133.4); short protein forms I225V, I309V.
Identifiers: ClinVar variation 5017585 (VCV005017585.1).

ClinVar aggregate classification (germline): Uncertain significance (1 of 4 stars; one submission).

Submission:

GeneDx
Classification: Uncertain significance. Last evaluated: 2026-03-26. Review status: criteria provided, single submitter. Criteria: GeneDx Variant Classification Process June 2021. Collection method: clinical testing. Allele origin: germline.
Comment: Not observed at significant frequency in large population cohorts (gnomAD); In silico analysis supports that this missense variant has a deleterious effect on splicing; In silico analysis suggests that this missense variant does not alter protein structure/function; Has not been previously published as pathogenic or benign to our knowledge